The following is an entry in ClinVar:

NM_007294.4(BRCA1):c.756T>A (p.Arg252=)

Gene: BRCA1 (BRCA1 DNA repair associated; minus strand). Cytogenetic location: 17q21.31.
Variant type: single nucleotide variant.
Coding change: c.756T>A on transcript NM_007294.4 (MANE Select); coding-DNA position 756, T replaced by A.
Protein change: p.Arg252=; no amino-acid change (arginine 252 retained).
Molecular consequence: synonymous variant. On other transcripts: 5 prime UTR variant (2), intron variant (13).
Genome position (GRCh38, 1-based): chr17:43,094,775, A>T on the plus strand (T>A on the coding strand, the complement: BRCA1 is on the minus strand). VCF-style: chr17-43094775-A-T. GRCh37 (hg19) VCF-style: chr17-41246792-A-T.
Other names: c.543T>A, p.Arg181= (NM_001407571.1, NM_001407853.1, NM_001407894.1 and 12 more transcripts); c.756T>A, p.Arg252= (NM_001407581.1, NM_001407582.1, NM_001407583.1 and 54 more transcripts); c.753T>A, p.Arg251= (NM_001407587.1, NM_001407590.1, NM_001407591.1 and 38 more transcripts); c.747T>A, p.Arg249= (NM_001407646.1, NM_001407647.1, NM_001408408.1); c.633T>A, p.Arg211= (NM_001407648.1, NM_001407664.1, NM_001407665.1 and 34 more transcripts); c.630T>A, p.Arg210= (NM_001407649.1, NM_001407670.1, NM_001407671.1 and 20 more transcripts); c.678T>A, p.Arg226= (NM_001407653.1, NM_001407654.1, NM_001407655.1 and 9 more transcripts); c.675T>A, p.Arg225= (NM_001407659.1, NM_001407660.1, NM_001407661.1 and 3 more transcripts); and 20 more.
Identifiers: ClinVar variation 2797671 (VCV002797671.4), dbSNP rs786201338, ClinGen allele CA500233521.

ClinVar aggregate classification (germline): Conflicting classifications of pathogenicity. Review status: criteria provided, conflicting classifications (1 of 4 stars). 2 submissions from 2 submitters: Uncertain significance (1); Likely benign (1). Last evaluated 2025-09-19.

Conditions:
Hereditary breast ovarian cancer syndrome. Also called: Hereditary breast and ovarian cancer syndrome; Hereditary breast and ovarian cancer syndrome (HBOC); Hereditary breast and/or ovarian cancer syndrome; Hereditary breast and ovarian cancer; Breast and ovarian cancer; BRCA1- and BRCA2-Associated Hereditary Breast and Ovarian Cancer. Identifiers: Orphanet 145, MedGen C0677776, MeSH D061325, MONDO:0003582. Disease mechanism: loss of function.

Submissions (2):

Quest Diagnostics Nichols Institute San Juan Capistrano
Classification: Uncertain significance. Last evaluated: 2025-09-19. Review status: criteria provided, single submitter. Criteria: Quest Diagnostics criteria. Collection method: clinical testing. Allele origin: unknown.
Comment: The BRCA1 c.756T>A (p.Arg252=) synonymous variant has been reported in the published literature in an individual with an unspecified form of gynecological cancer (PMID: 33078592 (2020)). This variant has not been reported in large, multi-ethnic general populations (Genome Aggregation Database). Analysis of this variant using software algorithms for the prediction of the effect of nucleotide changes on splicing yielded predictions that this variant does not affect BRCA1 mRNA splicing. Based on the available information, we are unable to determine the clinical significance of this variant.

Labcorp Genetics (formerly Invitae), Labcorp
Classification: Likely benign for Hereditary breast ovarian cancer syndrome. Last evaluated: 2025-03-09. Review status: criteria provided, single submitter. Criteria: Invitae Variant Classification Sherloc (09022015). Collection method: clinical testing. Allele origin: germline.

Literature cited by the submitters: PubMed 33078592 (cited by Quest Diagnostics Nichols Institute San Juan Capistrano).